The following is an entry in ClinVar:

NM_181486.4(TBX5):c.855C>T (p.Ser285=)

Gene: TBX5 (T-box transcription factor 5; minus strand). Cytogenetic location: 12q24.21.
Variant type: single nucleotide variant.
Coding change: c.855C>T on transcript NM_181486.4 (MANE Select); coding-DNA position 855, C replaced by T.
Protein change: p.Ser285=; no amino-acid change (serine 285 retained).
Molecular consequence: synonymous variant.
Genome position (GRCh38, 1-based): chr12:114,366,292, G>A on the plus strand (C>T on the coding strand, the complement: TBX5 is on the minus strand). VCF-style: chr12-114366292-G-A. GRCh37 (hg19) VCF-style: chr12-114804097-G-A.
Other names: c.855C>T, p.Ser285= (NM_000192.3); c.705C>T, p.Ser235= (NM_080717.4).
Identifiers: ClinVar variation 1763850 (VCV001763850.31), dbSNP rs745840026, ClinGen allele CA6809482.

ClinVar aggregate classification (germline): Likely benign. Review status: criteria provided, multiple submitters, no conflicts (2 of 4 stars). 3 submissions from 3 submitters: Likely benign (3). Last evaluated 2025-01-06.

Conditions:
Cardiovascular phenotype. Identifiers: MedGen CN230736.
Aortic valve disease 2 (AOVD2). Identifiers: MedGen C3542024, MONDO:0013902, OMIM 614823.

Allele frequency attached by ClinVar (database versions not stated): ExAC 0.00002; gnomAD 0.00003; TOPMed 0.00003.
gnomAD v4.1: 80 of 1,613,970 alleles (0.005%); highest among the groups gnomAD compares: Non-Finnish European, 0.0064%; no homozygotes.

Submissions (3):

Labcorp Genetics (formerly Invitae), Labcorp
Classification: Likely benign for Aortic valve disease 2. Last evaluated: 2025-01-06. Review status: criteria provided, single submitter. Criteria: Invitae Variant Classification Sherloc (09022015). Collection method: clinical testing. Allele origin: germline.

CeGaT Center for Human Genetics Tuebingen
Classification: Likely benign. Last evaluated: 2022-09-01. Review status: criteria provided, single submitter. Criteria: CeGaT Center For Human Genetics Tuebingen Variant Classification Criteria Version 2. Collection method: clinical testing. Allele origin: germline. Affected: yes. Observed: 1 variant allele.
Comment: TBX5: BP4, BP7

Ambry Genetics
Classification: Likely benign for Cardiovascular phenotype. Last evaluated: 2020-08-10. Review status: criteria provided, single submitter. Criteria: Ambry Variant Classification Scheme 2023. Collection method: clinical testing. Allele origin: germline.